The following is an entry in ClinVar:

NM_001040716.2(PC):c.3033T>C (p.Ala1011=)

Gene: PC (pyruvate carboxylase; minus strand). Cytogenetic location: 11q13.2.
Variant type: single nucleotide variant.
Coding change: c.3033T>C on transcript NM_001040716.2 (MANE Select); coding-DNA position 3033, T replaced by C.
Protein change: p.Ala1011=; no amino-acid change (alanine 1011 retained).
Molecular consequence: synonymous variant.
Genome position (GRCh38, 1-based): chr11:66,849,725, A>G on the plus strand (T>C on the coding strand, the complement: PC is on the minus strand). VCF-style: chr11-66849725-A-G. GRCh37 (hg19) VCF-style: chr11-66617196-A-G.
Other names: c.3033T>C, p.Ala1011= (NM_000920.4, NM_022172.3).
Identifiers: ClinVar variation 514003 (VCV000514003.8), dbSNP rs139740019, ClinGen allele CA6130918.

ClinVar aggregate classification (germline): Likely benign. Review status: criteria provided, multiple submitters, no conflicts (2 of 4 stars). 2 submissions from 2 submitters: Likely benign (2). Last evaluated 2022-04-04.

Conditions:
Pyruvate carboxylase deficiency. Also called: ATAXIA WITH LACTIC ACIDOSIS II; LEIGH NECROTIZING ENCEPHALOPATHY DUE TO PYRUVATE CARBOXYLASE DEFICIENCY; LEIGH SYNDROME DUE TO PYRUVATE CARBOXYLASE DEFICIENCY; PC DEFICIENCY; Pyruvate Carboxylase Deficiency Disease. Identifiers: Orphanet 3008, MedGen C0034341, MONDO:0009949, OMIM 266150.

Allele frequency attached by ClinVar (database versions not stated): ExAC 0.00002; gnomAD 0.00002; gnomAD exomes 0.00002 and 0.00004; TOPMed 0.00002; ESP Exome Variant Server 0.00015.
gnomAD v4.1: 59 of 1,614,104 alleles (0.0037%); highest among the groups gnomAD compares: Non-Finnish European, 0.005%; no homozygotes.

Submissions (2):

Labcorp Genetics (formerly Invitae), Labcorp
Classification: Likely benign for Pyruvate carboxylase deficiency. Last evaluated: 2022-04-04. Review status: criteria provided, single submitter. Criteria: Invitae Variant Classification Sherloc (09022015). Collection method: clinical testing. Allele origin: germline.

GeneDx
Classification: Likely benign. Last evaluated: 2017-12-29. Review status: criteria provided, single submitter. Criteria: GeneDx Variant Classification (06012015). Collection method: clinical testing. Allele origin: germline. Affected: yes.
Comment: This variant is considered likely benign or benign based on one or more of the following criteria: it is a conservative change, it occurs at a poorly conserved position in the protein, it is predicted to be benign by multiple in silico algorithms, and/or has population frequency not consistent with disease.